The following is an entry in ClinVar:

NM_004333.6(BRAF):c.1205C>G (p.Pro402Arg)

Gene: BRAF (B-Raf proto-oncogene, serine/threonine kinase; minus strand). Cytogenetic location: 7q34.
Variant type: single nucleotide variant.
Coding change: c.1205C>G on transcript NM_004333.6 (MANE Select); coding-DNA position 1205, C replaced by G.
Protein change: p.Pro402Arg; replaces proline 402 with arginine.
Molecular consequence: missense variant. On other transcripts: intron variant (2).
Genome position (GRCh38, 1-based): chr7:140,783,130, G>C on the plus strand (C>G on the coding strand, the complement: BRAF is on the minus strand). VCF-style: chr7-140783130-G-C. GRCh37 (hg19) VCF-style: chr7-140482930-G-C.
Other names: c.1205C>G, p.Pro402Arg (NM_001354609.2, NM_001378468.1, NM_001378474.1); c.1325C>G, p.Pro442Arg (NM_001374244.1, NM_001374258.1); c.1214C>G, p.Pro405Arg (NM_001378467.1); c.1103C>G, p.Pro368Arg (NM_001378470.1); c.1049C>G, p.Pro350Arg (NM_001378472.1, NM_001378473.1); c.941C>G, p.Pro314Arg (NM_001378475.1); c.1141-47C>G (NM_001378471.1); c.1178-39C>G (NM_001378469.1); short protein forms P402R, P314R, P350R, P368R, P405R, P442R.
Identifiers: ClinVar variation 560678 (VCV000560678.8), dbSNP rs199927105, ClinGen allele CA168091744.

ClinVar aggregate classification (germline): Uncertain significance. Review status: criteria provided, multiple submitters, no conflicts (2 of 4 stars). 4 submissions from 4 submitters: Uncertain significance (3). 1 of the submissions does not count toward it. Last evaluated 2025-11-13.

Conditions:
Cardiovascular phenotype. Identifiers: MedGen CN230736.
RASopathy. Also called: rasopathies; Noonan spectrum disorder. Identifiers: Orphanet 536391, MedGen C5555857, MONDO:0021060.
Noonan syndrome (NS). Also called: Noonan's syndrome. Identifiers: Orphanet 648, MedGen C0028326, MeSH D009634, MONDO:0018997. Disease mechanism: gain of function.

Allele frequency attached by ClinVar (database versions not stated): TOPMed 0.00002.
gnomAD v4.1: 15 of 1,613,924 alleles (0.00093%); highest among the groups gnomAD compares: African/African-American, 0.0027%; no homozygotes.

Submissions (4):

Ambry Genetics
Classification: Uncertain significance for Cardiovascular phenotype. Last evaluated: 2025-11-13. Review status: criteria provided, single submitter. Criteria: Ambry Variant Classification Scheme 2023. Collection method: clinical testing. Allele origin: germline.
Comment: The p.P402R variant (also known as c.1205C>G), located in coding exon 10 of the BRAF gene, results from a C to G substitution at nucleotide position 1205. The proline at codon 402 is replaced by arginine, an amino acid with dissimilar properties. This amino acid position is highly conserved in available vertebrate species. In addition, the in silico prediction for this alteration is inconclusive. Based on the available evidence, the clinical significance of this variant remains unclear.

Labcorp Genetics (formerly Invitae), Labcorp
Classification: Uncertain significance for RASopathy. Last evaluated: 2025-05-15. Review status: criteria provided, single submitter. Criteria: Invitae Variant Classification Sherloc (09022015). Collection method: clinical testing. Allele origin: germline.
Comment: This sequence change replaces proline, which is neutral and non-polar, with arginine, which is basic and polar, at codon 402 of the BRAF protein (p.Pro402Arg). This variant is present in population databases (no rsID available, gnomAD 0.01%). This variant has not been reported in the literature in individuals affected with BRAF-related conditions. ClinVar contains an entry for this variant (Variation ID: 560678). Invitae Evidence Modeling of protein sequence and biophysical properties (such as structural, functional, and spatial information, amino acid conservation, physicochemical variation, residue mobility, and thermodynamic stability) indicates that this missense variant is not expected to disrupt BRAF protein function with a negative predictive value of 80%. In summary, the available evidence is currently insufficient to determine the role of this variant in disease. Therefore, it has been classified as a Variant of Uncertain Significance.

Women's Health and Genetics/Laboratory Corporation of America, LabCorp
Classification: Uncertain significance. Last evaluated: 2023-10-23. Review status: criteria provided, single submitter. Criteria: LabCorp Variant Classification Summary - May 2015. Collection method: clinical testing. Allele origin: germline.

Clinical Molecular Genetics Laboratory, Johns Hopkins All Children's Hospital
Classification: Uncertain significance for Noonan syndrome. Last evaluated: 2015-06-25. Review status: no assertion criteria provided. Collection method: clinical testing. Allele origin: germline. Affected: yes. Not counted in ClinVar's aggregate classification.